The following is an entry in ClinVar:

ClinVar aggregate classification (germline): Uncertain significance (1 of 4 stars; one submission).

Submission:

Labcorp Genetics (formerly Invitae), Labcorp
Classification: Uncertain significance. Last evaluated: 2021-04-13. Review status: criteria provided, single submitter. Criteria: Invitae Variant Classification Sherloc (09022015). Collection method: clinical testing. Allele origin: germline.
Comment: This variant is not present in population databases (ExAC no frequency). In summary, the available evidence is currently insufficient to determine the role of this variant in disease. Therefore, it has been classified as a Variant of Uncertain Significance. Algorithms developed to predict the effect of sequence changes on RNA splicing suggest that this variant may create or strengthen a splice site, but this prediction has not been confirmed by published transcriptional studies. Algorithms developed to predict the effect of missense changes on protein structure and function are either unavailable or do not agree on the potential impact of this missense change (SIFT: "Tolerated"; PolyPhen-2: "Probably Damaging"; Align-GVGD: "Class C0"). This variant has not been reported in the literature in individuals with POLE-related conditions. This sequence change replaces glutamic acid with valine at codon 586 of the POLE protein (p.Glu586Val). The glutamic acid residue is highly conserved and there is a moderate physicochemical difference between glutamic acid and valine.

NM_006231.4(POLE):c.1757A>T (p.Glu586Val)

Gene: POLE (DNA polymerase epsilon, catalytic subunit; minus strand). Cytogenetic location: 12q24.33.
Variant type: single nucleotide variant.
Coding change: c.1757A>T on transcript NM_006231.4 (MANE Select); coding-DNA position 1757, A replaced by T.
Protein change: p.Glu586Val; replaces glutamic acid 586 with valine.
Molecular consequence: missense variant.
Genome position (GRCh38, 1-based): chr12:132,672,252, T>A on the plus strand (A>T on the coding strand, the complement: POLE is on the minus strand). VCF-style: chr12-132672252-T-A. GRCh37 (hg19) VCF-style: chr12-133248838-T-A.
Other names: short protein forms E586V.
Identifiers: ClinVar variation 1387399 (VCV001387399.8), dbSNP rs2135990465, ClinGen allele CA387356282.
Genomic context (GRCh38, chr12:132,672,252, plus strand): 5'-CTTCCTGCCTCCCTGATGGTTACCTCTTCAAAGTTGGTGACTTGCTCCACAGGCACTTTC[T>A]CCTCTTCCTCAAGGGCGTGGCGCAAGGTCTTCTCAACCCGCTGCAGCAGGAAGTCAAAGG-3'
Protein context (NP_006222.2, residues 576-596): KTLRHALEEE[Glu586Val]KVPVEQVTNF